The following is an entry in ClinVar:

ClinVar aggregate classification (germline): Uncertain significance (1 of 4 stars; one submission).

Conditions:
Leigh syndrome (NULS). Also called: Leigh's necrotizing encephalopathy; Leigh's disease; Leigh Syndrome (mtDNA deletion); Leigh Disease; Subacute necrotizing encephalopathy; Necrotizing encephalopathy infantile subacute of Leigh. Identifiers: Orphanet 506, MedGen C2931891, MONDO:0009723, OMIM 256000.

Submission:

Wong Mito Lab, Molecular and Human Genetics, Baylor College of Medicine
Classification: Uncertain significance for Leigh syndrome. Last evaluated: 2019-10-17. Review status: criteria provided, single submitter. Criteria: Modified ACMG Guidelines (Unpublished). Collection method: clinical testing. Allele origin: germline.
Comment: The NC_012920.1:m.9028C>T (YP_003024031.1:p.His168Tyr) variant in MTATP6 gene is interpretated to be a Uncertain Significance variant based on the modified ACMG guidelines (unpublished). This variant meets the following evidence codes: PP3, PP7

NC_012920.1(MT-ATP6):m.9028C>T

Gene: MT-ATP6 (mitochondrially encoded ATP synthase 6; plus strand).
Variant type: single nucleotide variant.
Genome position: chrM-9028-C-T.
Identifiers: ClinVar variation 693059 (VCV000693059.1), dbSNP rs1603221990, ClinGen allele CA414801926.